The following is an entry in ClinVar:

ClinVar aggregate classification (germline): Uncertain significance (1 of 4 stars; one submission).

Conditions:
DICER1-related tumor predisposition. Also called: DICER1 syndrome; DICER1-related pleuropulmonary blastoma cancer predisposition syndrome. Identifiers: Orphanet 284343, MedGen C3839822, MONDO:0100216.

Submission:

Labcorp Genetics (formerly Invitae), Labcorp
Classification: Uncertain significance for DICER1-related tumor predisposition. Last evaluated: 2020-09-10. Review status: criteria provided, single submitter. Criteria: Invitae Variant Classification Sherloc (09022015). Collection method: clinical testing. Allele origin: germline.
Comment: This sequence change replaces isoleucine with leucine at codon 1297 of the DICER1 protein (p.Ile1297Leu). The isoleucine residue is highly conserved and there is a small physicochemical difference between isoleucine and leucine. In summary, the available evidence is currently insufficient to determine the role of this variant in disease. Therefore, it has been classified as a Variant of Uncertain Significance. Algorithms developed to predict the effect of missense changes on protein structure and function are either unavailable or do not agree on the potential impact of this missense change (SIFT: "Tolerated"; PolyPhen-2: "Possibly Damaging"; Align-GVGD: "Class C0"). This variant has not been reported in the literature in individuals with DICER1-related conditions. This variant is not present in population databases (ExAC no frequency).

NM_177438.3(DICER1):c.3889A>C (p.Ile1297Leu)

Gene: DICER1 (dicer 1, ribonuclease III; minus strand). Cytogenetic location: 14q32.13.
Variant type: single nucleotide variant.
Coding change: c.3889A>C on transcript NM_177438.3 (MANE Select); coding-DNA position 3889, A replaced by C.
Protein change: p.Ile1297Leu; replaces isoleucine 1297 with leucine.
Molecular consequence: missense variant.
Genome position (GRCh38, 1-based): chr14:95,103,507, T>G on the plus strand (A>C on the coding strand, the complement: DICER1 is on the minus strand). VCF-style: chr14-95103507-T-G. GRCh37 (hg19) VCF-style: chr14-95569844-T-G.
Other names: c.3889A>C, p.Ile1297Leu (NM_001195573.1, NM_001271282.3, NM_001291628.2 and 1 more transcripts); short protein forms I1297L.
Identifiers: ClinVar variation 1038962 (VCV001038962.10), dbSNP rs1891085871, ClinGen allele CA390873235.